The following is an entry in ClinVar:

ClinVar aggregate classification (germline): Benign/Likely benign. Review status: criteria provided, multiple submitters, no conflicts (2 of 4 stars). 5 submissions from 5 submitters: Benign (1); Likely benign (2). 2 of the submissions do not count toward it. Last evaluated 2025-09-10.

Conditions:
SMARCAL1-related disorder. Also called: SMARCAL1-related condition.
Schimke immuno-osseous dysplasia (SIOD). Also called: Schimke Immunoosseous Dysplasia. Identifiers: Orphanet 1830, MedGen C0877024, MONDO:0009458, OMIM 242900.

Allele frequency attached by ClinVar (database versions not stated): TOPMed 0.00002; 1000 Genomes Project 30x 0.00016; 1000 Genomes Project 0.00020; gnomAD exomes 0.00032 and 0.00065; gnomAD 0.00055 and 0.00059; ExAC 0.00058.
gnomAD v4.1: 542 of 1,614,180 alleles (0.034%); highest among the groups gnomAD compares: Non-Finnish European, 0.0029%; 1 homozygote.

Submissions (5):

Labcorp Genetics (formerly Invitae), Labcorp
Classification: Benign for Schimke immuno-osseous dysplasia. Last evaluated: 2025-09-10. Review status: criteria provided, single submitter. Criteria: Invitae Variant Classification Sherloc (09022015). Collection method: clinical testing. Allele origin: germline.

Blueprint Genetics
Classification: Likely benign. Last evaluated: 2024-05-14. Review status: criteria provided, single submitter. Criteria: ACMG Guidelines, 2015. Collection method: clinical testing. Allele origin: germline.

Fulgent Genetics
Classification: Likely benign for Schimke immuno-osseous dysplasia. Last evaluated: 2021-09-27. Review status: criteria provided, single submitter. Criteria: ACMG Guidelines, 2015. Collection method: clinical testing. Allele origin: unknown.

Natera, Inc.
Classification: Likely benign for Schimke immuno-osseous dysplasia. Last evaluated: 2020-11-30. Review status: no assertion criteria provided. Collection method: clinical testing. Allele origin: germline. Not counted in ClinVar's aggregate classification.

PreventionGenetics, part of Exact Sciences
Classification: Likely benign for SMARCAL1-related condition. Last evaluated: 2020-03-03. Review status: no assertion criteria provided. Collection method: clinical testing. Allele origin: germline. Not counted in ClinVar's aggregate classification.
Comment: This variant is classified as likely benign based on ACMG/AMP sequence variant interpretation guidelines (Richards et al. 2015 PMID: 25741868, with internal and published modifications).

NM_014140.4(SMARCAL1):c.124A>G (p.Ile42Val)

Gene: SMARCAL1 (SNF2 related chromatin remodeling annealing helicase 1; plus strand). Cytogenetic location: 2q35.
Variant type: single nucleotide variant.
Coding change: c.124A>G on transcript NM_014140.4 (MANE Select); coding-DNA position 124, A replaced by G.
Protein change: p.Ile42Val; replaces isoleucine 42 with valine.
Molecular consequence: missense variant.
Genome position (GRCh38, 1-based): chr2:216,414,828, A>G. VCF-style: chr2-216414828-A-G. GRCh37 (hg19) VCF-style: chr2-217279551-A-G.
Other names: c.124A>G (NM_014140.3); c.124A>G, p.Ile42Val (NM_001127207.2); short protein forms I42V.
Identifiers: ClinVar variation 1167494 (VCV001167494.16), dbSNP rs199905841, ClinGen allele CA2097559.